The following is an entry in ClinVar:

NM_001184.4(ATR):c.7285C>G (p.Leu2429Val)

Gene: ATR (ATR checkpoint kinase; minus strand). Cytogenetic location: 3q23.
Variant type: single nucleotide variant.
Coding change: c.7285C>G on transcript NM_001184.4 (MANE Select); coding-DNA position 7285, C replaced by G.
Protein change: p.Leu2429Val; replaces leucine 2429 with valine.
Molecular consequence: missense variant.
Genome position (GRCh38, 1-based): chr3:142,459,291, G>C on the plus strand (C>G on the coding strand, the complement: ATR is on the minus strand). VCF-style: chr3-142459291-G-C. GRCh37 (hg19) VCF-style: chr3-142178133-G-C.
Other names: c.7093C>G, p.Leu2365Val (NM_001354579.2); short protein forms L2429V, L2365V.
Identifiers: ClinVar variation 1758080 (VCV001758080.2), dbSNP rs2473039788, ClinGen allele CA354797445.
Genomic context (GRCh38, chr3:142,459,291, plus strand): 5'-ATGTAGGATCAGGGAATGTTCTCAGAAACCACTCATGAAAAATAGGAGGATGCCTGGGCA[G>C]GAGAAATTCTCGGAATACTTTGAGTTTTTCAGATAAAGCTGCTGACTTTGGTAGCATACA-3'
Protein context (NP_001175.2, residues 2419-2439): EKLKVFREFL[Leu2429Val]PRHPPIFHEW

ClinVar aggregate classification (germline): Uncertain significance (1 of 4 stars; one submission).

Conditions:
Inborn genetic diseases. Identifiers: MedGen C0950123, MeSH D030342.

Submission:

Ambry Genetics
Classification: Uncertain significance for Inborn genetic diseases. Last evaluated: 2022-06-11. Review status: criteria provided, single submitter. Criteria: Ambry Variant Classification Scheme 2023. Collection method: clinical testing. Allele origin: germline.
Comment: The p.L2429V variant (also known as c.7285C>G), located in coding exon 43 of the ATR gene, results from a C to G substitution at nucleotide position 7285. The leucine at codon 2429 is replaced by valine, an amino acid with highly similar properties. This amino acid position is conserved. In addition, this alteration is predicted to be tolerated by in silico analysis. Since supporting evidence is limited at this time, the clinical significance of this alteration remains unclear.